The following is an entry in ClinVar:

ClinVar aggregate classification (germline): Pathogenic (1 of 4 stars; one submission).

Conditions:
Familial thoracic aortic aneurysm and aortic dissection (TAAD). Also called: Thoracic aortic aneurysms and dissections. Identifiers: Orphanet 91387, MedGen C4707243, MONDO:0019625.

Submission:

Ambry Genetics
Classification: Pathogenic for Familial thoracic aortic aneurysm and aortic dissection. Last evaluated: 2026-07-09. Review status: criteria provided, single submitter. Criteria: Ambry Variant Classification Scheme 2023. Collection method: clinical testing. Allele origin: germline.
Comment: The c.258_260delGCAinsCC pathogenic mutation, located in coding exon 3 of the FBN1 gene, results from the deletion of 3 nucleotides and insertion of two nucleotides causing a translational frameshift with a predicted alternate stop codon (p.H87Lfs*21). This variant is considered to be rare based on population cohorts in the Genome Aggregation Database (gnomAD). This alteration is expected to result in loss of function by premature protein truncation or nonsense-mediated mRNA decay. As such, this alteration is interpreted as a disease-causing mutation.

NM_000138.5(FBN1):c.258_260delinsCC (p.His87fs)

Gene: FBN1 (fibrillin 1; minus strand). Cytogenetic location: 15q21.1.
Variant type: Indel.
Coding change: c.258_260delinsCC on transcript NM_000138.5 (MANE Select); coding-DNA positions 258 to 260, GCA replaced by CC.
Protein change: p.His87fs; shifts the reading frame from histidine 87.
Molecular consequence: frameshift variant.
Genome position (GRCh38, 1-based): chr15:48,610,814-48,610,816, TGC replaced by GG on the plus strand (GCA replaced by CC on the coding strand, the reverse complement: FBN1 is on the minus strand). VCF-style: chr15-48610814-TGC-GG. GRCh37 (hg19) VCF-style: chr15-48903011-TGC-GG.
Other names: c.258_260delinsCC, p.His87fs (NM_001406716.1, NM_001406717.1); short protein forms H87fs.
Identifiers: ClinVar variation 5021586 (VCV005021586.1).
Genomic context (GRCh38, chr15:48,610,814, plus strand): 5'-ATCTGACCAGATGGGCAAGTGCACATATTTGGCCTCGAACAAAATCCATCCCCACAGGAA[TGC>GG]CGGCAAATGGCTGTGAATAAACCAGAGGTCTGTTAGCACATGGATTTGGAACACGATTTG-3'